The following is an entry in ClinVar:

NM_000388.4(CASR):c.2782G>C (p.Glu928Gln)

Gene: CASR (calcium sensing receptor; plus strand). Cytogenetic location: 3q21.1.
Variant type: single nucleotide variant.
Coding change: c.2782G>C on transcript NM_000388.4 (MANE Select); coding-DNA position 2782, G replaced by C.
Protein change: p.Glu928Gln; replaces glutamic acid 928 with glutamine.
Molecular consequence: missense variant.
Genome position (GRCh38, 1-based): chr3:122,284,736, G>C. VCF-style: chr3-122284736-G-C. GRCh37 (hg19) VCF-style: chr3-122003583-G-C.
Other names: c.2812G>C, p.Glu938Gln (NM_001178065.2); short protein forms E928Q, E938Q.
Identifiers: ClinVar variation 3231555 (VCV003231555.1), dbSNP rs1346664029, ClinGen allele CA354160754.

ClinVar aggregate classification (germline): Uncertain significance (1 of 4 stars; one submission).

Conditions:
Nephrolithiasis/nephrocalcinosis. Identifiers: MedGen CN580796.

Submission:

Ambry Genetics
Classification: Uncertain significance for Nephrolithiasis/nephrocalcinosis. Last evaluated: 2023-11-21. Review status: criteria provided, single submitter. Criteria: Ambry Variant Classification Scheme 2023. Collection method: clinical testing. Allele origin: germline.
Comment: The p.E928Q variant (also known as c.2782G>C), located in coding exon 6 of the CASR gene, results from a G to C substitution at nucleotide position 2782. The glutamic acid at codon 928 is replaced by glutamine, an amino acid with highly similar properties. This amino acid position is conserved. In addition, this alteration is predicted to be tolerated by in silico analysis. Since supporting evidence is limited at this time, the clinical significance of this alteration remains unclear.